The following is an entry in ClinVar:

NM_000368.5(TSC1):c.582_583dup (p.Tyr195fs)

Gene: TSC1 (TSC complex subunit 1; minus strand). Cytogenetic location: 9q34.13.
Variant type: Duplication.
Coding change: c.582_583dup on transcript NM_000368.5 (MANE Select); coding-DNA positions 582 to 583, 2 bases duplicated (GT; older notation c.582_583dupGT).
Protein change: p.Tyr195fs; shifts the reading frame from tyrosine 195.
Molecular consequence: frameshift variant.
Genome position (GRCh38, 1-based): chr9:132,921,899-132,921,900, AC duplicated on the plus strand (GT on the coding strand, the reverse complement: TSC1 is on the minus strand); duplicating any 2 consecutive bases within chr9:132,921,899-132,921,901 gives the same sequence; the c. name uses the placement nearest the transcript's 3' end. VCF-style (leftmost placement, unchanged base first): chr9-132921898-T-TAC. GRCh37 (hg19) VCF-style: chr9-135797285-T-TAC.
Other names: c.582_583dup, p.Tyr195fs (NM_001162426.2); c.429_430dup, p.Tyr144fs (NM_001162427.2); c.219_220dup, p.Tyr74fs (NM_001362177.2); short protein forms Y195fs, Y144fs, Y74fs.
Identifiers: ClinVar variation 1452814 (VCV001452814.6), dbSNP rs2132156045, ClinGen allele CA2573144297.

ClinVar aggregate classification (germline): Pathogenic (1 of 4 stars; one submission).

Conditions:
Tuberous sclerosis 1 (TSC1). Identifiers: Orphanet 805, MedGen C1854465, MONDO:0008612, OMIM 191100.

Submission:

Labcorp Genetics (formerly Invitae), Labcorp
Classification: Pathogenic for Tuberous sclerosis 1. Last evaluated: 2020-12-08. Review status: criteria provided, single submitter. Criteria: Invitae Variant Classification Sherloc (09022015). Collection method: clinical testing. Allele origin: germline.
Comment: For these reasons, this variant has been classified as Pathogenic. This variant has not been reported in the literature in individuals with TSC1-related conditions. This variant is not present in population databases (ExAC no frequency). This sequence change creates a premature translational stop signal (p.Tyr195Cysfs*16) in the TSC1 gene. It is expected to result in an absent or disrupted protein product. Loss-of-function variants in TSC1 are known to be pathogenic (PMID: 10227394, 17304050).

Literature cited by the submitters: PubMed 10227394; PubMed 17304050.